The following is an entry in ClinVar:

ClinVar aggregate classification (germline): Conflicting classifications of pathogenicity. Review status: criteria provided, conflicting classifications (1 of 4 stars). 2 submissions from 2 submitters: Uncertain significance (1); Likely benign (1). Last evaluated 2024-12-22.

Conditions:
Familial hemiplegic migraine. Identifiers: MedGen C0338484, MONDO:0000700.
Inborn genetic diseases. Identifiers: MedGen C0950123, MeSH D030342.

Allele frequency attached by ClinVar (database versions not stated): ExAC 0.00001.
gnomAD v4.1: 8 of 1,614,246 alleles (0.0005%); highest among the groups gnomAD compares: South Asian, 0.0088%; no homozygotes.

Submissions (2):

Labcorp Genetics (formerly Invitae), Labcorp
Classification: Uncertain significance for Familial hemiplegic migraine. Last evaluated: 2024-12-22. Review status: criteria provided, single submitter. Criteria: Invitae Variant Classification Sherloc (09022015). Collection method: clinical testing. Allele origin: germline.
Comment: This sequence change replaces alanine, which is neutral and non-polar, with glycine, which is neutral and non-polar, at codon 643 of the ATP1A2 protein (p.Ala643Gly). This variant is present in population databases (rs763782107, gnomAD 0.01%). This variant has not been reported in the literature in individuals affected with ATP1A2-related conditions. ClinVar contains an entry for this variant (Variation ID: 589972). Invitae Evidence Modeling of protein sequence and biophysical properties (such as structural, functional, and spatial information, amino acid conservation, physicochemical variation, residue mobility, and thermodynamic stability) has been performed for this missense variant. However, the output from this modeling did not meet the statistical confidence thresholds required to predict the impact of this variant on ATP1A2 protein function. In summary, the available evidence is currently insufficient to determine the role of this variant in disease. Therefore, it has been classified as a Variant of Uncertain Significance.

Ambry Genetics
Classification: Likely benign for Inborn genetic diseases. Last evaluated: 2017-10-24. Review status: criteria provided, single submitter. Criteria: Ambry Variant Classification Scheme 2023. Collection method: clinical testing. Allele origin: germline.

NM_000702.4(ATP1A2):c.1928C>G (p.Ala643Gly)

Gene: ATP1A2 (ATPase Na+/K+ transporting subunit alpha 2; plus strand). Cytogenetic location: 1q23.2.
Variant type: single nucleotide variant.
Coding change: c.1928C>G on transcript NM_000702.4 (MANE Select); coding-DNA position 1928, C replaced by G.
Protein change: p.Ala643Gly; replaces alanine 643 with glycine.
Molecular consequence: missense variant.
Genome position (GRCh38, 1-based): chr1:160,134,584, C>G. VCF-style: chr1-160134584-C-G. GRCh37 (hg19) VCF-style: chr1-160104374-C-G.
Other names: short protein forms A643G.
Identifiers: ClinVar variation 589972 (VCV000589972.7), dbSNP rs763782107, ClinGen allele CA1194608.